The following is an entry in ClinVar:

NM_152328.5(ADSS1):c.603C>G (p.His201Gln)

Gene: ADSS1 (adenylosuccinate synthase 1; plus strand). Cytogenetic location: 14q32.33.
Variant type: single nucleotide variant.
Coding change: c.603C>G on transcript NM_152328.5 (MANE Select); coding-DNA position 603, C replaced by G.
Protein change: p.His201Gln; replaces histidine 201 with glutamine.
Molecular consequence: missense variant. On other transcripts: 5 prime UTR variant (1).
Genome position (GRCh38, 1-based): chr14:104,740,857, C>G. VCF-style: chr14-104740857-C-G. GRCh37 (hg19) VCF-style: chr14-105207194-C-G.
Other names: c.-13C>G (NM_001320424.1); c.732C>G, p.His244Gln (NM_199165.2); c.732C>G (NM_199165.1); short protein forms H201Q, H244Q.
Identifiers: ClinVar variation 1681946 (VCV001681946.4), dbSNP rs753244916, ClinGen allele CA7373776.
Genomic context (GRCh38, chr14:104,740,857, plus strand): 5'-ATGGACCATGACAGGGGGTGATGATGACTGTCCCTTGTGCAGATTCAAGAACCTGGCCCA[C>G]CAGCACCAGTCGATGTTCCCCACCCTGGAAATAGACATTGAAGGCCAACTCAAAAGGCTC-3'
Protein context (NP_689541.1, residues 191-211): EFSSRFKNLA[His201Gln]QHQSMFPTLE

ClinVar aggregate classification (germline): Uncertain significance. Review status: criteria provided, multiple submitters, no conflicts (2 of 4 stars). 2 submissions from 2 submitters: Uncertain significance (2). Last evaluated 2025-03-26.

Conditions:
Inborn genetic diseases. Identifiers: MedGen C0950123, MeSH D030342.

Allele frequency attached by ClinVar (database versions not stated): gnomAD exomes 0.00001 and 0.00004; TOPMed below 0.00001; gnomAD 0.00002 and 0.00003; ExAC 0.00002.
gnomAD v4.1: 17 of 1,613,892 alleles (0.0011%); highest among the groups gnomAD compares: East Asian, 0.033%; no homozygotes.

Submissions (2):

Ambry Genetics
Classification: Uncertain significance for Inborn genetic diseases. Last evaluated: 2025-03-26. Review status: criteria provided, single submitter. Criteria: Ambry Variant Classification Scheme 2023. Collection method: clinical testing. Allele origin: germline.

Labcorp Genetics (formerly Invitae), Labcorp
Classification: Uncertain significance. Last evaluated: 2022-07-18. Review status: criteria provided, single submitter. Criteria: Invitae Variant Classification Sherloc (09022015). Collection method: clinical testing. Allele origin: germline.
Comment: This sequence change replaces histidine, which is basic and polar, with glutamine, which is neutral and polar, at codon 244 of the ADSSL1 protein (p.His244Gln). This variant is present in population databases (rs753244916, gnomAD 0.06%). This variant has not been reported in the literature in individuals affected with ADSSL1-related conditions. ClinVar contains an entry for this variant (Variation ID: 1681946). Algorithms developed to predict the effect of missense changes on protein structure and function output the following: SIFT: "Not Available"; PolyPhen-2: "Benign"; Align-GVGD: "Not Available". The glutamine amino acid residue is found in multiple mammalian species, which suggests that this missense change does not adversely affect protein function. In summary, the available evidence is currently insufficient to determine the role of this variant in disease. Therefore, it has been classified as a Variant of Uncertain Significance.